The following is an entry in ClinVar:

ClinVar aggregate classification (germline): Benign/Likely benign. Review status: criteria provided, multiple submitters, no conflicts (2 of 4 stars). 2 submissions from 2 submitters: Benign (1); Likely benign (1). Last evaluated 2025-10-06.

Submissions (2):

Women's Health and Genetics/Laboratory Corporation of America, LabCorp
Classification: Benign. Last evaluated: 2025-10-06. Review status: criteria provided, single submitter. Criteria: LabCorp Variant Classification Summary - May 2015. Collection method: clinical testing. Allele origin: germline.
Comment: Variant summary: KY c.338-18delA alters a nucleotide located at a position not widely known to affect splicing. Consensus agreement among computation tools predict no significant impact on normal splicing. However, these predictions have yet to be confirmed by functional studies. The variant allele was found at a frequency of 0.00031 in 248838 control chromosomes, predominantly at a frequency of 0.0042 within the African or African-American subpopulation in the gnomAD database. The observed variant frequency within African or African-American control individuals in the gnomAD database exceeds the estimated maximal expected allele frequency for disease-causing variants in KY. To our knowledge, no occurrence of c.338-18delA in individuals affected with KY-related conditions and no experimental evidence demonstrating its impact on protein function have been reported. No submitters have cited clinical-significance assessments for this variant to ClinVar. Based on the evidence outlined above, the variant was classified as benign.

Blueprint Genetics
Classification: Likely benign. Last evaluated: 2024-08-12. Review status: criteria provided, single submitter. Criteria: ACMG Guidelines, 2015. Collection method: clinical testing. Allele origin: germline.

NM_178554.6(KY):c.338-18del

Genes: CEP63 (centrosomal protein 63; plus strand), KY (kyphoscoliosis peptidase; minus strand). Cytogenetic location: 3q22.2.
Variant type: Deletion.
Coding change: c.338-18del on transcript NM_178554.6 (MANE Select); 18 bases into the intron before coding-DNA position 338, one base deleted (A; older notation c.338-18delA).
Molecular consequence: intron variant.
Genome position (GRCh38, 1-based): chr3:134,627,836, T deleted on the plus strand (A on the coding strand, the reverse complement: KY is on the minus strand). VCF-style (leftmost placement, unchanged base first): chr3-134627835-AT-A. GRCh37 (hg19) VCF-style: chr3-134346677-AT-A.
Other names: c.290-18del (NM_001350859.2); c.275-18del (NM_001366276.1); c.212-18del (NM_001350860.2); c.338-18del (NM_001366277.2); c.338-18delA (NM_178554.6).
Identifiers: ClinVar variation 4687544 (VCV004687544.2).